The following is an entry in ClinVar:

ClinVar aggregate classification (germline): Uncertain significance (1 of 4 stars; one submission).

Allele frequency attached by ClinVar (database versions not stated): gnomAD exomes below 0.00001.

Submission:

Labcorp Genetics (formerly Invitae), Labcorp
Classification: Uncertain significance. Last evaluated: 2018-08-22. Review status: criteria provided, single submitter. Criteria: Invitae Variant Classification Sherloc (09022015). Collection method: clinical testing. Allele origin: germline.
Comment: This sequence change replaces methionine with isoleucine at codon 1371 of the A2ML1 protein (p.Met1371Ile). The methionine residue is moderately conserved and there is a small physicochemical difference between methionine and isoleucine. This variant is not present in population databases (ExAC no frequency). This variant has not been reported in the literature in individuals with A2ML1-related disease. Algorithms developed to predict the effect of missense changes on protein structure and function are either unavailable or do not agree on the potential impact of this missense change (SIFT: "Tolerated"; PolyPhen-2: "Possibly Damaging"; Align-GVGD: "Class C0"). In summary, the available evidence is currently insufficient to determine the role of this variant in disease. Therefore, it has been classified as a Variant of Uncertain Significance.

NM_144670.6(A2ML1):c.4113G>A (p.Met1371Ile)

Gene: A2ML1 (alpha-2-macroglobulin like 1; plus strand). Cytogenetic location: 12p13.31.
Variant type: single nucleotide variant.
Coding change: c.4113G>A on transcript NM_144670.6 (MANE Select); coding-DNA position 4113, G replaced by A.
Protein change: p.Met1371Ile; replaces methionine 1371 with isoleucine.
Molecular consequence: missense variant.
Genome position (GRCh38, 1-based): chr12:8,868,588, G>A. VCF-style: chr12-8868588-G-A. GRCh37 (hg19) VCF-style: chr12-9021184-G-A.
Other names: c.2640G>A, p.Met880Ile (NM_001282424.3); short protein forms M1371I, M880I.
Identifiers: ClinVar variation 638878 (VCV000638878.1), dbSNP rs1592156688, ClinGen allele CA383812943.
Genomic context (GRCh38, chr12:8,868,588, plus strand): 5'-TGCTCTCAGTTATGTGGGGAGCCGTAGCTCTTCCAATATGGCTATTGTGGAAGTGAAGAT[G>A]CTATCTGGGTTCAGTCCCATGGAGGGCACCAATCAGTTAGTAAGTTACTTCTGTTTTCTT-3'
Protein context (NP_653271.3, residues 1361-1381): SSNMAIVEVK[Met1371Ile]LSGFSPMEGT